The following is an entry in ClinVar:

ClinVar aggregate classification (germline): Uncertain significance (1 of 4 stars; one submission).

Submission:

Labcorp Genetics (formerly Invitae), Labcorp
Classification: Uncertain significance. Last evaluated: 2016-06-26. Review status: criteria provided, single submitter. Criteria: Invitae Variant Classification Sherloc (09022015). Collection method: clinical testing. Allele origin: germline.
Comment: This sequence change replaces methionine with threonine at codon 1525 of the NSD1 protein (p.Met1525Thr). The methionine residue is weakly conserved and there is a moderate physicochemical difference between methionine and threonine. This variant is not present in population databases (ExAC no frequency) and has not been reported in the literature in individuals with a NSD1-related disease. In summary, this variant is a novel missense change that is not predicted to affect protein function. There is no indication that it causes disease, but the available evidence is currently insufficient to prove that conclusively. Therefore, it has been classified as a Variant of Uncertain Significance. Algorithms developed to predict the effect of missense changes on protein structure and function (SIFT, PolyPhen-2, Align-GVGD) all suggest that this variant is likely to be tolerated, but these predictions have not been confirmed by published functional studies.

NM_022455.5(NSD1):c.4574T>C (p.Met1525Thr)

Gene: NSD1 (nuclear receptor binding SET domain protein 1; plus strand). Cytogenetic location: 5q35.3.
Variant type: single nucleotide variant.
Coding change: c.4574T>C on transcript NM_022455.5 (MANE Select); coding-DNA position 4574, T replaced by C.
Protein change: p.Met1525Thr; replaces methionine 1525 with threonine.
Molecular consequence: missense variant.
Genome position (GRCh38, 1-based): chr5:177,248,257, T>C. VCF-style: chr5-177248257-T-C. GRCh37 (hg19) VCF-style: chr5-176675258-T-C.
Other names: c.3701T>C, p.Met1234Thr (NM_001365684.2, NM_001409306.1, NM_001409307.1 and 3 more transcripts); c.4574T>C, p.Met1525Thr (NM_001409301.1, NM_001409302.1, NM_001409303.1); c.4154T>C, p.Met1385Thr (NM_001409304.1); c.3821T>C, p.Met1274Thr (NM_001409305.1); short protein forms M1525T, M1256T, M1234T, M1274T, M1385T.
Identifiers: ClinVar variation 407361 (VCV000407361.10), dbSNP rs1060501491, ClinGen allele CA16611850.